The following is an entry in ClinVar:

ClinVar aggregate classification (germline): Pathogenic/Likely pathogenic. Review status: criteria provided, multiple submitters, no conflicts (2 of 4 stars). 2 submissions from 2 submitters: Pathogenic (1); Likely pathogenic (1). Last evaluated 2023-08-16.

Conditions:
Early-infantile DEE. Also called: Early infantile epileptic encephalopathy with suppression bursts; Early infantile epileptic encephalopathy; Ohtahara syndrome. Identifiers: Orphanet 1934, MedGen C0393706, MONDO:0800491.
Generalized epilepsy with febrile seizures plus, type 2 (GEFSP2). Also called: GEFS+, TYPE 2. Identifiers: Orphanet 36387, MedGen C1858673, MONDO:0011461, OMIM 604403.

Submissions (2):

Labcorp Genetics (formerly Invitae), Labcorp
Classification: Likely pathogenic for Early-infantile DEE. Last evaluated: 2023-08-16. Review status: criteria provided, single submitter. Criteria: Invitae Variant Classification Sherloc (09022015). Collection method: clinical testing. Allele origin: germline.
Comment: In summary, the currently available evidence indicates that the variant is pathogenic, but additional data are needed to prove that conclusively. Therefore, this variant has been classified as Likely Pathogenic. This variant disrupts the p.Met934 amino acid residue in SCN1A. Other variant(s) that disrupt this residue have been determined to be pathogenic (PMID: 14738421, 23195492; Invitae). This suggests that this residue is clinically significant, and that variants that disrupt this residue are likely to be disease-causing. Advanced modeling of protein sequence and biophysical properties (such as structural, functional, and spatial information, amino acid conservation, physicochemical variation, residue mobility, and thermodynamic stability) performed at Invitae indicates that this missense variant is expected to disrupt SCN1A protein function. ClinVar contains an entry for this variant (Variation ID: 1686148). This missense change has been observed in individual(s) with clinical features of SCN1A-related conditions (PMID: 29655203). This variant is not present in population databases (gnomAD no frequency). This sequence change replaces methionine, which is neutral and non-polar, with arginine, which is basic and polar, at codon 934 of the SCN1A protein (p.Met934Arg).

Mendelics
Classification: Pathogenic for Generalized epilepsy with febrile seizures plus, type 2. Last evaluated: 2022-05-04. Review status: criteria provided, single submitter. Criteria: Mendelics Assertion Criteria 2019. Collection method: clinical testing. Allele origin: germline.

Literature cited by the submitters: PubMed 14738421 (cited by Labcorp Genetics (formerly Invitae), Labcorp); PubMed 23195492 (cited by Labcorp Genetics (formerly Invitae), Labcorp); PubMed 29655203 (cited by Labcorp Genetics (formerly Invitae), Labcorp).

NM_001165963.4(SCN1A):c.2801T>G (p.Met934Arg)

Gene: SCN1A (sodium voltage-gated channel alpha subunit 1; minus strand). Cytogenetic location: 2q24.3.
Variant type: single nucleotide variant.
Coding change: c.2801T>G on transcript NM_001165963.4 (MANE Select); coding-DNA position 2801, T replaced by G.
Protein change: p.Met934Arg; replaces methionine 934 with arginine.
Molecular consequence: missense variant. On other transcripts: non-coding transcript variant (1).
Genome position (GRCh38, 1-based): chr2:166,037,921, A>C on the plus strand (T>G on the coding strand, the complement: SCN1A is on the minus strand). VCF-style: chr2-166037921-A-C. GRCh37 (hg19) VCF-style: chr2-166894431-A-C.
Other names: c.2717T>G, p.Met906Arg (NM_001165964.3, NM_001353957.2, NM_001353958.2); c.2801T>G, p.Met934Arg (NM_001202435.3, NM_001353948.2); c.2768T>G, p.Met923Arg (NM_001353949.2, NM_001353950.2, NM_001353951.2 and 2 more transcripts); c.2765T>G, p.Met922Arg (NM_001353954.2, NM_001353955.2); c.2714T>G, p.Met905Arg (NM_001353960.2); c.359T>G, p.Met120Arg (NM_001353961.2); short protein forms M923R, M934R, M905R, M922R, M120R, M906R.
Identifiers: ClinVar variation 1686148 (VCV001686148.6), dbSNP rs796052987, ClinGen allele CA317319.